The following is an entry in ClinVar:

NM_001211.6(BUB1B):c.2585T>A (p.Ile862Asn)

Gene: BUB1B (BUB1 mitotic checkpoint serine/threonine kinase B; plus strand). Cytogenetic location: 15q15.1.
Variant type: single nucleotide variant.
Coding change: c.2585T>A on transcript NM_001211.6 (MANE Select); coding-DNA position 2585, T replaced by A.
Protein change: p.Ile862Asn; replaces isoleucine 862 with asparagine.
Molecular consequence: missense variant.
Genome position (GRCh38, 1-based): chr15:40,213,381, T>A. VCF-style: chr15-40213381-T-A. GRCh37 (hg19) VCF-style: chr15-40505582-T-A.
Other names: short protein forms I862N.
Identifiers: ClinVar variation 3826075 (VCV003826075.1).

ClinVar aggregate classification (germline): Uncertain significance (1 of 4 stars; one submission).

Conditions:
Inborn genetic diseases. Identifiers: MedGen C0950123, MeSH D030342.

Submission:

Ambry Genetics
Classification: Uncertain significance for Inborn genetic diseases. Last evaluated: 2024-12-15. Review status: criteria provided, single submitter. Criteria: Ambry Variant Classification Scheme 2023. Collection method: clinical testing. Allele origin: germline.
Comment: The p.I862N variant (also known as c.2585T>A), located in coding exon 20 of the BUB1B gene, results from a T to A substitution at nucleotide position 2585. The isoleucine at codon 862 is replaced by asparagine, an amino acid with dissimilar properties. This amino acid position is conserved. In addition, this alteration is predicted to be tolerated by in silico analysis. Based on the available evidence, the clinical significance of this variant remains unclear.